The following is an entry in ClinVar:

ClinVar aggregate classification (germline): Uncertain significance (1 of 4 stars; one submission).

Submission:

Labcorp Genetics (formerly Invitae), Labcorp
Classification: Uncertain significance. Last evaluated: 2022-09-13. Review status: criteria provided, single submitter. Criteria: Invitae Variant Classification Sherloc (09022015). Collection method: clinical testing. Allele origin: germline.
Comment: In summary, the available evidence is currently insufficient to determine the role of this variant in disease. Therefore, it has been classified as a Variant of Uncertain Significance. Algorithms developed to predict the effect of missense changes on protein structure and function (SIFT, PolyPhen-2, Align-GVGD) all suggest that this variant is likely to be tolerated. This variant has not been reported in the literature in individuals affected with CCDC88A-related conditions. This variant is not present in population databases (gnomAD no frequency). This sequence change replaces glycine, which is neutral and non-polar, with aspartic acid, which is acidic and polar, at codon 488 of the CCDC88A protein (p.Gly488Asp).

NM_001365480.1(CCDC88A):c.1463G>A (p.Gly488Asp)

Gene: CCDC88A (coiled-coil and HOOK domain protein 88A; minus strand). Cytogenetic location: 2p16.1.
Variant type: single nucleotide variant.
Coding change: c.1463G>A on transcript NM_001365480.1 (MANE Select); coding-DNA position 1463, G replaced by A.
Protein change: p.Gly488Asp; replaces glycine 488 with aspartic acid.
Molecular consequence: missense variant.
Genome position (GRCh38, 1-based): chr2:55,339,519, C>T on the plus strand (G>A on the coding strand, the complement: CCDC88A is on the minus strand). VCF-style: chr2-55339519-C-T. GRCh37 (hg19) VCF-style: chr2-55566655-C-T.
Other names: c.1463G>A, p.Gly488Asp (NM_001135597.2, NM_001254943.2, NM_018084.5); short protein forms G488D.
Identifiers: ClinVar variation 2117062 (VCV002117062.4), dbSNP rs2544852002, ClinGen allele CA346903917.
Genomic context (GRCh38, chr2:55,339,519, plus strand): 5'-TTTACCTTTTTACTGAGCCTTTGATTTTCTTTTTCCATTTTCAGGATTTTGGAAGCATTG[C>T]CTTCTACAGAATCCACAGTAGTCCGAAGCTCTTCTACGGTTTTTGTCAAACTTTGATTTT-3'
Protein context (NP_001352409.1, residues 478-498): ELRTTVDSVE[Gly488Asp]NASKILKMEK